The following is an entry in ClinVar:

ClinVar aggregate classification (germline): Uncertain significance (1 of 4 stars; one submission).

Conditions:
Luscan-Lumish syndrome. Identifiers: Orphanet 597738, MedGen C4085873, MONDO:0014791, OMIM 616831.

Allele frequency attached by ClinVar (database versions not stated): gnomAD exomes below 0.00001.
gnomAD v4.1: 1 of 1,614,160 alleles (0.000062%); highest among the groups gnomAD compares: Non-Finnish European, 0.000085%; no homozygotes.

Submission:

Labcorp Genetics (formerly Invitae), Labcorp
Classification: Uncertain significance for Luscan-Lumish syndrome. Last evaluated: 2019-11-28. Review status: criteria provided, single submitter. Criteria: Invitae Variant Classification Sherloc (09022015). Collection method: clinical testing. Allele origin: germline.
Comment: This sequence change replaces tyrosine with cysteine at codon 1320 of the SETD2 protein (p.Tyr1320Cys). The tyrosine residue is moderately conserved and there is a large physicochemical difference between tyrosine and cysteine. In summary, the available evidence is currently insufficient to determine the role of this variant in disease. Therefore, it has been classified as a Variant of Uncertain Significance. Algorithms developed to predict the effect of missense changes on protein structure and function output the following: SIFT: "Tolerated"; PolyPhen-2: "Benign"; Align-GVGD: "Class C15". The cysteine amino acid residue is found in multiple mammalian species, suggesting that this missense change does not adversely affect protein function. These predictions have not been confirmed by published functional studies and their clinical significance is uncertain. This variant has not been reported in the literature in individuals with SETD2-related conditions. This variant is not present in population databases (ExAC no frequency).

NM_014159.7(SETD2):c.3959A>G (p.Tyr1320Cys)

Gene: SETD2 (SET domain containing 2, histone lysine methyltransferase; minus strand). Cytogenetic location: 3p21.31.
Variant type: single nucleotide variant.
Coding change: c.3959A>G on transcript NM_014159.7 (MANE Select); coding-DNA position 3959, A replaced by G.
Protein change: p.Tyr1320Cys; replaces tyrosine 1320 with cysteine.
Molecular consequence: missense variant. On other transcripts: non-coding transcript variant (1).
Genome position (GRCh38, 1-based): chr3:47,120,677, T>C on the plus strand (A>G on the coding strand, the complement: SETD2 is on the minus strand). VCF-style: chr3-47120677-T-C. GRCh37 (hg19) VCF-style: chr3-47162167-T-C.
Other names: c.3827A>G, p.Tyr1276Cys (NM_001349370.3); short protein forms Y1276C, Y1320C.
Identifiers: ClinVar variation 855737 (VCV000855737.6), dbSNP rs2043039729, ClinGen allele CA352519479.